The following is an entry in ClinVar:

ClinVar aggregate classification (germline): Uncertain significance (1 of 4 stars; one submission).

Submission:

GeneDx
Classification: Uncertain significance. Last evaluated: 2023-03-24. Review status: criteria provided, single submitter. Criteria: GeneDx Variant Classification Process June 2021. Collection method: clinical testing. Allele origin: germline. Affected: yes.
Comment: Not observed at significant frequency in large population cohorts (gnomAD); In silico analysis supports a deleterious effect on splicing; Has not been previously published as pathogenic or benign to our knowledge

NM_000091.5(COL4A3):c.3069A>T (p.Pro1023=)

Genes: COL4A3 (collagen type IV alpha 3 chain; plus strand), MFF-DT (MFF divergent transcript; minus strand). Cytogenetic location: 2q36.3.
Variant type: single nucleotide variant.
Coding change: c.3069A>T on transcript NM_000091.5 (MANE Select); coding-DNA position 3069, A replaced by T.
Protein change: p.Pro1023=; no amino-acid change (proline 1023 retained).
Molecular consequence: synonymous variant.
Genome position (GRCh38, 1-based): chr2:227,290,087, A>T. VCF-style: chr2-227290087-A-T. GRCh37 (hg19) VCF-style: chr2-228154803-A-T.
Identifiers: ClinVar variation 2580507 (VCV002580507.1), dbSNP rs2469822144, ClinGen allele CA431505733.